The following is an entry in ClinVar:

NM_000531.6(OTC):c.716A>G (p.Glu239Gly)

Gene: OTC (ornithine transcarbamylase; plus strand). Cytogenetic location: Xp11.4.
Variant type: single nucleotide variant.
Coding change: c.716A>G on transcript NM_000531.6 (MANE Select); coding-DNA position 716, A replaced by G.
Protein change: p.Glu239Gly; replaces glutamic acid 239 with glycine.
Molecular consequence: missense variant.
Genome position (GRCh38, 1-based): chrX:38,408,794, A>G. VCF-style: chrX-38408794-A-G. GRCh37 (hg19) VCF-style: chrX-38268047-A-G.
Other names: short protein forms E239G.
Identifiers: ClinVar variation 97295 (VCV000097295.2), dbSNP rs67283833, ClinGen allele CA224748.

ClinVar aggregate classification (germline): Pathogenic (0 of 4 stars; one submission).

Submission:

GenMed Metabolism Lab
Classification: Pathogenic. Review status: no assertion criteria provided. Collection method: not provided. Allele origin: unknown.
Comment: p.Glu239Gly, Late
ClinVar note: Converted during submission from pathogenic to Pathogenic.